The following is an entry in ClinVar:

NM_017617.5(NOTCH1):c.51C>T (p.Leu17=)

Genes: NOTCH1 (notch receptor 1; minus strand), LOC130003020 (ATAC-STARR-seq lymphoblastoid silent region 20528; plus strand). Cytogenetic location: 9q34.3.
Variant type: single nucleotide variant.
Coding change: c.51C>T on transcript NM_017617.5 (MANE Select); coding-DNA position 51, C replaced by T.
Protein change: p.Leu17=; no amino-acid change (leucine 17 retained).
Molecular consequence: synonymous variant.
Genome position (GRCh38, 1-based): chr9:136,545,736, G>A on the plus strand (C>T on the coding strand, the complement: NOTCH1 is on the minus strand). VCF-style: chr9-136545736-G-A. GRCh37 (hg19) VCF-style: chr9-139440188-G-A.
Other names: c.51C>T (NM_017617.4); c.51C>T, p.Leu17= (LRG_1122t1).
Identifiers: ClinVar variation 510517 (VCV000510517.5), dbSNP rs1478932209, ClinGen allele CA467728322.

ClinVar aggregate classification (germline): Likely benign. Review status: criteria provided, multiple submitters, no conflicts (2 of 4 stars). 4 submissions from 4 submitters: Likely benign (3). 1 of the submissions does not count toward it. Last evaluated 2025-10-17.

Conditions:
Adams-Oliver syndrome 5 (AOS5). Identifiers: Orphanet 974, MedGen C4014970, MONDO:0014459, OMIM 616028.
NOTCH1-related disorder. Also called: NOTCH1-related condition; NOTCH1-related disorders.

Allele frequency attached by ClinVar (database versions not stated): gnomAD exomes below 0.00001.
gnomAD v4.1: 6 of 1,425,966 alleles (0.00042%); highest among the groups gnomAD compares: Non-Finnish European, 0.00055%; no homozygotes.

Submissions (4):

Labcorp Genetics (formerly Invitae), Labcorp
Classification: Likely benign for Adams-Oliver syndrome 5. Last evaluated: 2025-10-17. Review status: criteria provided, single submitter. Criteria: Invitae Variant Classification Sherloc (09022015). Collection method: clinical testing. Allele origin: germline.

Blueprint Genetics
Classification: Likely benign. Last evaluated: 2024-06-05. Review status: criteria provided, single submitter. Criteria: ACMG Guidelines, 2015. Collection method: clinical testing. Allele origin: germline.

GeneDx
Classification: Likely benign. Last evaluated: 2017-07-05. Review status: criteria provided, single submitter. Criteria: GeneDx Variant Classification (06012015). Collection method: clinical testing. Allele origin: germline. Affected: yes.
Comment: This variant is considered likely benign or benign based on one or more of the following criteria: it is a conservative change, it occurs at a poorly conserved position in the protein, it is predicted to be benign by multiple in silico algorithms, and/or has population frequency not consistent with disease.

PreventionGenetics, part of Exact Sciences
Classification: Likely benign for NOTCH1-related condition. Last evaluated: 2024-08-29. Review status: no assertion criteria provided. Collection method: clinical testing. Allele origin: germline. Not counted in ClinVar's aggregate classification.
Comment: This variant is classified as likely benign based on ACMG/AMP sequence variant interpretation guidelines (Richards et al. 2015 PMID: 25741868, with internal and published modifications).